The following is an entry in ClinVar:

ClinVar aggregate classification (germline): Pathogenic (1 of 4 stars; one submission).

Conditions:
Primary ciliary dyskinesia 3. Identifiers: Orphanet 244, MedGen C1837618, MONDO:0012085, OMIM 608644.

Submission:

Myriad Genetics, Inc.
Classification: Pathogenic for Primary ciliary dyskinesia 3. Last evaluated: 2024-05-14. Review status: criteria provided, single submitter. Criteria: Myriad Autosomal Dominant, Autosomal Recessive and X-Linked Classification Criteria (2023). Collection method: clinical testing. Allele origin: unknown.
Comment: NM_001369.2(DNAH5):c.11500_11501del2ins15(R3834Cfs*8) is expected to be pathogenic in the context of primary ciliary dyskinesia, DNAH5-related. This variant is predicted to lead to an abnormal or absent protein product due to the creation of a premature termination codon in DNAH5, a gene where loss-of-function variants are known to be pathogenic. Please note: this variant was assessed in the context of healthy population screening.

NM_001369.3(DNAH5):c.11500_11501delinsTGTATAAGAGACAGT (p.Arg3834fs)

Gene: DNAH5 (dynein axonemal heavy chain 5; minus strand). Cytogenetic location: 5p15.2.
Variant type: Indel.
Coding change: c.11500_11501delinsTGTATAAGAGACAGT on transcript NM_001369.3 (MANE Select); coding-DNA positions 11500 to 11501, CG replaced by TGTATAAGAGACAGT.
Protein change: p.Arg3834fs; shifts the reading frame from arginine 3834.
Molecular consequence: frameshift variant.
Genome position (GRCh38, 1-based): chr5:13,735,887-13,735,888, CG replaced by ACTGTCTCTTATACA on the plus strand (CG replaced by TGTATAAGAGACAGT on the coding strand, the reverse complement: DNAH5 is on the minus strand). VCF-style: chr5-13735887-CG-ACTGTCTCTTATACA. GRCh37 (hg19) VCF-style: chr5-13735996-CG-ACTGTCTCTTATACA.
Other names: short protein forms R3834fs.
Identifiers: ClinVar variation 5010826 (VCV005010826.1).